The following is an entry in ClinVar:

ClinVar aggregate classification (germline): Uncertain significance. Review status: criteria provided, multiple submitters, no conflicts (2 of 4 stars). 4 submissions from 4 submitters: Uncertain significance (4). Last evaluated 2025-04-22.

Conditions:
Aculeiform cataract (CTRCT4). Also called: Fasciculiform cataract; Frosted cataract; Needle-shaped cataract. Identifiers: MedGen C1861832, HP:0010926.
Inborn genetic diseases. Identifiers: MedGen C0950123, MeSH D030342.
Cataract 4 multiple types. Also called: CATARACT 4, ACULEIFORM; CATARACT 4, PUNCTATE; CATARACT 4, CRYSTALLINE; CATARACT 4, CENTRAL NUCLEAR; CATARACT 4, NONNUCLEAR POLYMORPHIC CONGENITAL; CATARACT 4, MULTIPLE TYPES, WITH OR WITHOUT MICROCORNEA. Identifiers: Orphanet 1377, MedGen C3540850, MONDO:0007281, OMIM 115700.
CRYGD-related disorder. Also called: CRYGD-related condition.

Allele frequency attached by ClinVar (database versions not stated): ExAC 0.00001; gnomAD exomes 0.00004 and 0.00005; gnomAD 0.00005; TOPMed 0.00008.

Submissions (4):

PreventionGenetics, part of Exact Sciences
Classification: Uncertain significance for CRYGD-related condition. Last evaluated: 2025-04-22. Review status: criteria provided, single submitter. Criteria: ACMG Guidelines, 2015. Collection method: clinical testing. Allele origin: germline.
Comment: The CRYGD c.482A>G variant is predicted to result in the amino acid substitution p.Asn161Ser. To our knowledge, this variant has not been reported in the literature. This variant is reported in 0.0078% of alleles in individuals of European (Non-Finnish) descent in gnomAD. At this time, the clinical significance of this variant is uncertain due to the absence of conclusive functional and genetic evidence.

Ambry Genetics
Classification: Uncertain significance for Inborn genetic diseases. Last evaluated: 2025-03-03. Review status: criteria provided, single submitter. Criteria: Ambry Variant Classification Scheme 2023. Collection method: clinical testing. Allele origin: germline.

Labcorp Genetics (formerly Invitae), Labcorp
Classification: Uncertain significance for Aculeiform cataract. Last evaluated: 2024-09-29. Review status: criteria provided, single submitter. Criteria: Invitae Variant Classification Sherloc (09022015). Collection method: clinical testing. Allele origin: germline.
Comment: This sequence change replaces asparagine, which is neutral and polar, with serine, which is neutral and polar, at codon 161 of the CRYGD protein (p.Asn161Ser). This variant is present in population databases (rs760434926, gnomAD 0.008%). This variant has not been reported in the literature in individuals affected with CRYGD-related conditions. ClinVar contains an entry for this variant (Variation ID: 333868). An algorithm developed to predict the effect of missense changes on protein structure and function outputs the following: PolyPhen-2: "Benign". The serine amino acid residue is found in multiple mammalian species, which suggests that this missense change does not adversely affect protein function. In summary, the available evidence is currently insufficient to determine the role of this variant in disease. Therefore, it has been classified as a Variant of Uncertain Significance.

Illumina Laboratory Services, Illumina
Classification: Uncertain significance for Cataract 4 multiple types. Last evaluated: 2018-01-13. Review status: criteria provided, single submitter. Criteria: ICSL Variant Classification Criteria 13 December 2019. Collection method: clinical testing. Allele origin: germline.

NM_006891.4(CRYGD):c.482A>G (p.Asn161Ser)

Genes: CRYGD (crystallin gamma D; minus strand), LOC100507443 (uncharacterized LOC100507443; plus strand). Cytogenetic location: 2q33.3.
Variant type: single nucleotide variant.
Coding change: c.482A>G on transcript NM_006891.4 (MANE Select); coding-DNA position 482, A replaced by G.
Protein change: p.Asn161Ser; replaces asparagine 161 with serine.
Molecular consequence: missense variant.
Genome position (GRCh38, 1-based): chr2:208,121,716, T>C on the plus strand (A>G on the coding strand, the complement: CRYGD is on the minus strand). VCF-style: chr2-208121716-T-C. GRCh37 (hg19) VCF-style: chr2-208986440-T-C.
Other names: short protein forms N161S.
Identifiers: ClinVar variation 333868 (VCV000333868.13), dbSNP rs760434926, ClinGen allele CA2077622.